The following is an entry in ClinVar:

NM_053025.4(MYLK):c.2963A>G (p.Lys988Arg)

Gene: MYLK (myosin light chain kinase; minus strand). Cytogenetic location: 3q21.1.
Variant type: single nucleotide variant.
Coding change: c.2963A>G on transcript NM_053025.4 (MANE Select); coding-DNA position 2963, A replaced by G.
Protein change: p.Lys988Arg; replaces lysine 988 with arginine.
Molecular consequence: missense variant.
Genome position (GRCh38, 1-based): chr3:123,700,505, T>C on the plus strand (A>G on the coding strand, the complement: MYLK is on the minus strand). VCF-style: chr3-123700505-T-C. GRCh37 (hg19) VCF-style: chr3-123419352-T-C.
Other names: c.2435A>G, p.Lys812Arg (NM_001321309.2); c.2756A>G, p.Lys919Arg (NM_053026.4, NM_053028.4); c.2963A>G, p.Lys988Arg (NM_053027.4); short protein forms K812R, K919R, K988R.
Identifiers: ClinVar variation 3705683 (VCV003705683.2).

ClinVar aggregate classification (germline): Uncertain significance (1 of 4 stars; one submission).

Conditions:
Aortic aneurysm, familial thoracic 7 (AAT7). Also called: AORTIC DISSECTION, FAMILIAL, WITH OR WITHOUT AORTIC ANEURYSM. Identifiers: MedGen C3151077, MONDO:0013418, OMIM 613780.

gnomAD v4.1: 11 of 1,608,830 alleles (0.00068%); highest among the groups gnomAD compares: Non-Finnish European, 0.00085%; no homozygotes.

Submission:

Labcorp Genetics (formerly Invitae), Labcorp
Classification: Uncertain significance for Aortic aneurysm, familial thoracic 7. Last evaluated: 2025-12-08. Review status: criteria provided, single submitter. Criteria: Invitae Variant Classification Sherloc (09022015). Collection method: clinical testing. Allele origin: germline.
Comment: This sequence change replaces lysine, which is basic and polar, with arginine, which is basic and polar, at codon 988 of the MYLK protein (p.Lys988Arg). This variant is not present in population databases (gnomAD no frequency). This variant has not been reported in the literature in individuals affected with MYLK-related conditions. ClinVar contains an entry for this variant (Variation ID: 3705683). Invitae Evidence Modeling of protein sequence and biophysical properties (such as structural, functional, and spatial information, amino acid conservation, physicochemical variation, residue mobility, and thermodynamic stability) indicates that this missense variant is not expected to disrupt MYLK protein function with a negative predictive value of 80%. In summary, the available evidence is currently insufficient to determine the role of this variant in disease. Therefore, it has been classified as a Variant of Uncertain Significance.